The following is an entry in ClinVar:

NM_014467.3(SRPX2):c.370G>A (p.Ala124Thr)

Gene: SRPX2 (sushi repeat containing protein X-linked 2; plus strand). Cytogenetic location: Xq22.1.
Variant type: single nucleotide variant.
Coding change: c.370G>A on transcript NM_014467.3 (MANE Select); coding-DNA position 370, G replaced by A.
Protein change: p.Ala124Thr; replaces alanine 124 with threonine.
Molecular consequence: missense variant.
Genome position (GRCh38, 1-based): chrX:100,664,788, G>A. VCF-style: chrX-100664788-G-A. GRCh37 (hg19) VCF-style: chrX-99919785-G-A.
Other names: short protein forms A124T.
Identifiers: ClinVar variation 948344 (VCV000948344.10), dbSNP rs746716311, ClinGen allele CA10469484.

ClinVar aggregate classification (germline): Uncertain significance (1 of 4 stars; one submission).

Conditions:
Rolandic epilepsy, impaired intellectual development, and speech dyspraxia, X-linked. Also called: Rolandic epilepsy, intellectual disability, and speech dyspraxia, X-linked; Rolandic epilepsy, impaired intellectual development, and speech dyspraxia. Identifiers: MedGen C1845070, MONDO:0010388, OMIM 300643.

Allele frequency attached by ClinVar (database versions not stated): gnomAD 0.00001; gnomAD exomes 0.00001; TOPMed below 0.00001; ExAC 0.00002.
gnomAD v4.1: 8 of 1,204,182 alleles (0.00066%); highest among the groups gnomAD compares: Non-Finnish European, 0.00078%; no homozygotes.

Submission:

Labcorp Genetics (formerly Invitae), Labcorp
Classification: Uncertain significance for Rolandic epilepsy, impaired intellectual development, and speech dyspraxia, X-linked. Last evaluated: 2025-01-13. Review status: criteria provided, single submitter. Criteria: Invitae Variant Classification Sherloc (09022015). Collection method: clinical testing. Allele origin: germline.
Comment: This sequence change replaces alanine, which is neutral and non-polar, with threonine, which is neutral and polar, at codon 124 of the SRPX2 protein (p.Ala124Thr). The frequency data for this variant in the population databases is considered unreliable, as metrics indicate poor data quality at this position in the gnomAD database. This variant has not been reported in the literature in individuals affected with SRPX2-related conditions. ClinVar contains an entry for this variant (Variation ID: 948344). Invitae Evidence Modeling of protein sequence and biophysical properties (such as structural, functional, and spatial information, amino acid conservation, physicochemical variation, residue mobility, and thermodynamic stability) indicates that this missense variant is not expected to disrupt SRPX2 protein function with a negative predictive value of 80%. In summary, the available evidence is currently insufficient to determine the role of this variant in disease. Therefore, it has been classified as a Variant of Uncertain Significance.